The following is an entry in ClinVar:

ClinVar aggregate classification (germline): Benign/Likely benign. Review status: criteria provided, multiple submitters, no conflicts (2 of 4 stars). 9 submissions from 9 submitters: Benign (6); Likely benign (2). 1 of the submissions does not count toward it. Last evaluated 2026-02-01.

Conditions:
Polycystic kidney disease 4 (PKD4). Also called: PKD3; POLYCYSTIC KIDNEY DISEASE 4 WITH OR WITHOUT POLYCYSTIC LIVER DISEASE; POLYCYSTIC KIDNEY AND HEPATIC DISEASE 1; POLYCYSTIC KIDNEY DISEASE, INFANTILE, TYPE I; Autosomal Recessive Polycystic Kidney Disease – PKHD1. Identifiers: MedGen C4540575, MONDO:0033004, OMIM 263200.
Autosomal recessive polycystic kidney disease (ARPKD). Also called: AR polycystic kidney disease. Identifiers: Orphanet 731, Orphanet 8378, MedGen C0085548, MeSH D017044, MONDO:0009889.

Allele frequency attached by ClinVar (database versions not stated): gnomAD exomes 0.00268; ExAC 0.00339; 1000 Genomes Project 0.01078; 1000 Genomes Project 30x 0.01140; gnomAD 0.01154 and 0.01076; TOPMed 0.01167; ESP Exome Variant Server 0.00423.
gnomAD v4.1: 3,325 of 1,602,256 alleles (0.21%); highest among the groups gnomAD compares: African/African-American, 3.7%; 65 homozygotes.

Submissions (11):

Labcorp Genetics (formerly Invitae), Labcorp
Classification: Benign for Autosomal recessive polycystic kidney disease. Last evaluated: 2026-02-01. Review status: criteria provided, single submitter. Criteria: Invitae Variant Classification Sherloc (09022015). Collection method: clinical testing. Allele origin: germline.

Blueprint Genetics
Classification: Benign. Last evaluated: 2024-11-26. Review status: criteria provided, single submitter. Criteria: ACMG Guidelines, 2015. Collection method: clinical testing. Allele origin: germline.

Fulgent Genetics
Classification: Likely benign for Polycystic kidney disease 4. Last evaluated: 2021-12-30. Review status: criteria provided, single submitter. Criteria: ACMG Guidelines, 2015. Collection method: clinical testing. Allele origin: unknown.

Mayo Clinic Laboratories, Mayo Clinic
Classification: Benign. Last evaluated: 2021-12-30. Review status: criteria provided, single submitter. Criteria: ACMG Guidelines, 2015. Collection method: clinical testing. Allele origin: germline. Observed: 12 variant alleles.
Comment: BA1

GeneDx
Classification: Likely benign. Last evaluated: 2019-02-04. Review status: criteria provided, single submitter. Criteria: GeneDx Variant Classification Process June 2021. Collection method: clinical testing. Allele origin: germline. Affected: yes.

Women's Health and Genetics/Laboratory Corporation of America, LabCorp
Classification: Benign. Last evaluated: 2017-09-05. Review status: criteria provided, single submitter. Criteria: LabCorp Variant Classification Summary - May 2015. Collection method: clinical testing. Allele origin: germline.
Comment: Variant summary: The PKHD1 c.8174-18T>A variant involves the alteration of a non-conserved intronic nucleotide. One in silico tool predicts a benign outcome for this variant. 5/5 splice prediction tools predict no significant impact on normal splicing. However, these predictions have yet to be confirmed by functional studies. This variant was found in 358/105718 control chromosomes (9 homozygotes), predominantly observed in the African subpopulation at a frequency of 0.03505 (324/9244). This frequency is about 5 times the estimated maximal expected allele frequency of a pathogenic PKHD1 variant (0.0070711), suggesting this is likely a benign polymorphism found primarily in the populations of African origin. In addition, multiple clinical diagnostic laboratories/reputable databases classified this variant as benign. Taken together, this variant is classified as benign.

Eurofins Ntd Llc (ga)
Classification: Benign. Last evaluated: 2014-01-14. Review status: criteria provided, single submitter. Criteria: EGL Classification Definitions 2015. Collection method: clinical testing. Allele origin: germline. Observed: 1 variant allele, 1 heterozygote.

PreventionGenetics, part of Exact Sciences
Classification: Benign. Review status: criteria provided, single submitter. Criteria: ACMG Guidelines, 2015. Collection method: clinical testing. Allele origin: germline.

Natera, Inc.
Classification: Benign for Autosomal recessive polycystic kidney disease. Last evaluated: 2020-09-16. Review status: no assertion criteria provided. Collection method: clinical testing. Allele origin: germline. Not counted in ClinVar's aggregate classification.

Dr. Peter K. Rogan Lab, Western University
No classification provided (evidence only). Condition: Uterine corpus endometrial carcinoma. Review status: no classification provided. Collection method: in vitro. Allele origin: not applicable. Functional consequence: skipped exon. Not counted in ClinVar's aggregate classification.

Dr. Peter K. Rogan Lab, Western University
No classification provided (evidence only). Condition: Sarcoma. Review status: no classification provided. Collection method: in vitro. Allele origin: not applicable. Functional consequence: retained intron. Not counted in ClinVar's aggregate classification.

NM_138694.4(PKHD1):c.8174-18T>A

Gene: PKHD1 (PKHD1 ciliary IPT domain containing fibrocystin/polyductin; minus strand). Cytogenetic location: 6p12.2.
Variant type: single nucleotide variant.
Coding change: c.8174-18T>A on transcript NM_138694.4 (MANE Select); 18 bases into the intron before coding-DNA position 8174, T replaced by A.
Molecular consequence: intron variant.
Genome position (GRCh38, 1-based): chr6:51,831,007, A>T on the plus strand (T>A on the coding strand, the complement: PKHD1 is on the minus strand). VCF-style: chr6-51831007-A-T. GRCh37 (hg19) VCF-style: chr6-51695805-A-T.
Other names: p.?; c.8174-18T>A (NM_170724.3).
Identifiers: ClinVar variation 167482 (VCV000167482.23), dbSNP rs111383080, ClinGen allele CA180305.